The following is an entry in ClinVar:

NM_004170.6(SLC1A1):c.1097A>C (p.Asn366Thr)

Gene: SLC1A1 (solute carrier family 1 member 1; plus strand). Cytogenetic location: 9p24.2.
Variant type: single nucleotide variant.
Coding change: c.1097A>C on transcript NM_004170.6 (MANE Select); coding-DNA position 1097, A replaced by C.
Protein change: p.Asn366Thr; replaces asparagine 366 with threonine.
Molecular consequence: missense variant.
Genome position (GRCh38, 1-based): chr9:4,576,667, A>C. VCF-style: chr9-4576667-A-C. GRCh37 (hg19) VCF-style: chr9-4576667-A-C.
Other names: short protein forms N366T.
Identifiers: ClinVar variation 430105 (VCV000430105.2), dbSNP rs1131691784, ClinGen allele CA372818480.

ClinVar aggregate classification (germline): Uncertain significance (1 of 4 stars; one submission).

Submission:

GeneDx
Classification: Uncertain significance. Last evaluated: 2017-05-18. Review status: criteria provided, single submitter. Criteria: GeneDx Variant Classification (06012015). Collection method: clinical testing. Allele origin: germline. Affected: yes.
Comment: The N366T variant in the SLC1A1 gene has not been reported previously as a pathogenic variant, nor as a benign variant, to our knowledge. The N366T variant is not observed in large population cohorts (Lek et al., 2016; 1000 Genomes Consortium et al., 2015; Exome Variant Server). The N366T variant is a conservative amino acid substitution, which is not likely to impact secondary protein structure as these residues share similar properties. However, this substitution occurs at a position that is conserved across species, and in silico analysis predicts this variant is probably damaging to the protein structure/function. We interpret N366T as a variant of uncertain significance.